The following is an entry in ClinVar:

NM_002474.3(MYH11):c.5854G>C (p.Asp1952His)

Genes: MYH11 (myosin heavy chain 11; minus strand), NDE1 (nudE neurodevelopment protein 1; plus strand). Cytogenetic location: 16p13.11.
Variant type: single nucleotide variant.
Coding change: c.5854G>C on transcript NM_002474.3 (MANE Select); coding-DNA position 5854, G replaced by C.
Protein change: p.Asp1952His; replaces aspartic acid 1952 with histidine.
Molecular consequence: missense variant. On other transcripts: 3 prime UTR variant (2), intron variant (2).
Genome position (GRCh38, 1-based): chr16:15,704,056, C>G on the plus strand (G>C on the coding strand, the complement: MYH11 is on the minus strand). VCF-style: chr16-15704056-C-G. GRCh37 (hg19) VCF-style: chr16-15797913-C-G.
Other names: c.*76G>C (NM_001040113.2, NM_022844.3); c.5875G>C, p.Asp1959His (NM_001040114.2); c.947+7196C>G (NM_001143979.2, NM_017668.3); short protein forms D1952H, D1959H.
Identifiers: ClinVar variation 1319013 (VCV001319013.2), dbSNP rs2151159972, ClinGen allele CA394843734.

ClinVar aggregate classification (germline): Uncertain significance (1 of 4 stars; one submission).

Submission:

GeneDx
Classification: Uncertain significance. Last evaluated: 2019-05-29. Review status: criteria provided, single submitter. Criteria: GeneDx Variant Classification Process June 2021. Collection method: clinical testing. Allele origin: germline. Affected: yes.
Comment: Has not been previously published as pathogenic or benign to our knowledge; Not observed in large population cohorts (Lek et al., 2016); In silico analysis, which includes protein predictors and evolutionary conservation, supports that this variant does not alter protein structure/function